The following is an entry in ClinVar:

NM_001754.5(RUNX1):c.1171G>A (p.Ala391Thr)

Gene: RUNX1 (RUNX family transcription factor 1; minus strand). Cytogenetic location: 21q22.12.
Variant type: single nucleotide variant.
Coding change: c.1171G>A on transcript NM_001754.5 (MANE Select); coding-DNA position 1171, G replaced by A.
Protein change: p.Ala391Thr; replaces alanine 391 with threonine.
Molecular consequence: missense variant.
Genome position (GRCh38, 1-based): chr21:34,792,407, C>T on the plus strand (G>A on the coding strand, the complement: RUNX1 is on the minus strand). VCF-style: chr21-34792407-C-T. GRCh37 (hg19) VCF-style: chr21-36164704-C-T.
Other names: NM_001754.5(RUNX1):c.1171G>A; p.Ala391Thr; c.1090G>A, p.Ala364Thr (NM_001001890.3); short protein forms A364T, A391T.
Identifiers: ClinVar variation 2728565 (VCV002728565.5), dbSNP rs773725073, ClinGen allele CA410147882.

ClinVar aggregate classification (germline): Uncertain significance. Review status: reviewed by expert panel (3 of 4 stars). 3 submissions from 3 submitters: Uncertain significance (1). 2 of the submissions do not count toward it. Last evaluated 2024-11-13.

Conditions:
Hereditary thrombocytopenia and hematological cancer predisposition syndrome associated with RUNX1. Also called: Familial Platelet Disorder with Propensity to Acute Myelogenous Leukemia; Familial thrombocytopenia with propensity to acute myelogenous leukemia; PLATELET DISORDER, ASPIRIN-LIKE; RUNX1 Familial Platelet Disorder with Associated Myeloid Malignancies. Identifiers: Orphanet 71290, MedGen C1832388, MeSH C563324, MONDO:0100083, OMIM 601399.
Inborn genetic diseases. Identifiers: MedGen C0950123, MeSH D030342.
Hereditary thrombocytopenia and hematologic cancer predisposition syndrome. Identifiers: Orphanet 71290, MedGen CN281654, MONDO:0011071.

Allele frequency attached by ClinVar (database versions not stated): TOPMed below 0.00001.
gnomAD v4.1: 3 of 1,567,332 alleles (0.00019%); no homozygotes.

Submissions (3):

ClinGen Myeloid Malignancy Variant Curation Expert Panel
Classification: Uncertain significance for Hereditary thrombocytopenia and hematologic cancer predisposition syndrome. Last evaluated: 2024-11-13. Review status: reviewed by expert panel. Criteria: ClinGen MyeloMalig ACMG Specifications v2. Collection method: curation. Allele origin: germline. Inheritance: Autosomal dominant inheritance.
Comment: NM_001754.5(RUNX1):c.1171G>A (p.Ala391Thr) is a missense variant which has a REVEL score < 0.50 (0.08), and a SpliceAI score ≤ 0.20 (0.0) (BP4). In summary, the clinical significance of this variant is uncertain. ACMG/AMP criteria applied, as specified by the Myeloid Malignancy Variant Curation Expert Panel for RUNX1: BP4.

Ambry Genetics
Classification: Likely benign for Inborn genetic diseases. Last evaluated: 2025-05-03. Review status: criteria provided, single submitter. Criteria: Ambry Variant Classification Scheme 2023. Collection method: clinical testing. Allele origin: germline. Not counted in ClinVar's aggregate classification.

Labcorp Genetics (formerly Invitae), Labcorp
Classification: Uncertain significance for Hereditary thrombocytopenia and hematological cancer predisposition syndrome associated with RUNX1. Last evaluated: 2023-06-25. Review status: criteria provided, single submitter. Criteria: Invitae Variant Classification Sherloc (09022015). Collection method: clinical testing. Allele origin: germline. Not counted in ClinVar's aggregate classification.
Comment: In summary, the available evidence is currently insufficient to determine the role of this variant in disease. Therefore, it has been classified as a Variant of Uncertain Significance. Advanced modeling of protein sequence and biophysical properties (such as structural, functional, and spatial information, amino acid conservation, physicochemical variation, residue mobility, and thermodynamic stability) has been performed at Invitae for this missense variant, however the output from this modeling did not meet the statistical confidence thresholds required to predict the impact of this variant on RUNX1 protein function. This variant has not been reported in the literature in individuals affected with RUNX1-related conditions. This variant is not present in population databases (gnomAD no frequency). This sequence change replaces alanine, which is neutral and non-polar, with threonine, which is neutral and polar, at codon 391 of the RUNX1 protein (p.Ala391Thr).